The following is an entry in ClinVar:

ClinVar aggregate classification (germline): Uncertain significance (1 of 4 stars; one submission).

Allele frequency attached by ClinVar (database versions not stated): gnomAD exomes below 0.00001; TOPMed below 0.00001; ExAC 0.00001; gnomAD 0.00001.
gnomAD v4.1: 1 of 1,524,250 alleles (0.000066%); highest among the groups gnomAD compares: African/African-American, 0.0014%; no homozygotes.

Submission:

Labcorp Genetics (formerly Invitae), Labcorp
Classification: Uncertain significance. Last evaluated: 2022-09-13. Review status: criteria provided, single submitter. Criteria: Invitae Variant Classification Sherloc (09022015). Collection method: clinical testing. Allele origin: germline.
Comment: In summary, the available evidence is currently insufficient to determine the role of this variant in disease. Therefore, it has been classified as a Variant of Uncertain Significance. Advanced modeling of protein sequence and biophysical properties (such as structural, functional, and spatial information, amino acid conservation, physicochemical variation, residue mobility, and thermodynamic stability) performed at Invitae indicates that this missense variant is not expected to disrupt FAT4 protein function. ClinVar contains an entry for this variant (Variation ID: 1478606). This variant has not been reported in the literature in individuals affected with FAT4-related conditions. This variant is present in population databases (rs746181472, gnomAD 0.007%). This sequence change replaces phenylalanine, which is neutral and non-polar, with cysteine, which is neutral and slightly polar, at codon 3969 of the FAT4 protein (p.Phe3969Cys).

NM_001291303.3(FAT4):c.11912T>G (p.Phe3971Cys)

Gene: FAT4 (FAT atypical cadherin 4; plus strand). Cytogenetic location: 4q28.1.
Variant type: single nucleotide variant.
Coding change: c.11912T>G on transcript NM_001291303.3 (MANE Select); coding-DNA position 11912, T replaced by G.
Protein change: p.Phe3971Cys; replaces phenylalanine 3971 with cysteine.
Molecular consequence: missense variant.
Genome position (GRCh38, 1-based): chr4:125,468,518, T>G. VCF-style: chr4-125468518-T-G. GRCh37 (hg19) VCF-style: chr4-126389673-T-G.
Other names: c.11912T>G, p.Phe3971Cys (NM_001291285.3); c.11906T>G, p.Phe3969Cys (NM_024582.6); short protein forms F3969C, F3971C.
Identifiers: ClinVar variation 1478606 (VCV001478606.8), dbSNP rs746181472, ClinGen allele CA3073967.